The following is an entry in ClinVar:

ClinVar aggregate classification (germline): Pathogenic (1 of 4 stars; one submission).

Conditions:
Retinoblastoma (RB1). Also called: RETINOBLASTOMA, SOMATIC. Identifiers: Orphanet 790, MedGen C0035335, MeSH D012175, MONDO:0008380, OMIM 180200, HP:0009919. Disease mechanism: loss of function. Inheritance: Both sporadic and heritable forms are tested..

Submission:

Labcorp Genetics (formerly Invitae), Labcorp
Classification: Pathogenic for Retinoblastoma. Last evaluated: 2023-12-13. Review status: criteria provided, single submitter. Criteria: Invitae Variant Classification Sherloc (09022015). Collection method: clinical testing. Allele origin: germline.
Comment: This sequence change creates a premature translational stop signal (p.Arg46Glyfs*19) in the RB1 gene. It is expected to result in an absent or disrupted protein product. Loss-of-function variants in RB1 are known to be pathogenic (PMID: 17096365). This variant is not present in population databases (gnomAD no frequency). This variant has not been reported in the literature in individuals affected with RB1-related conditions. For these reasons, this variant has been classified as Pathogenic.

Literature cited by the submitters: PubMed 17096365.

NM_000321.3(RB1):c.136del (p.Arg46fs)

Gene: RB1 (RB transcriptional corepressor 1; plus strand). Cytogenetic location: 13q14.2.
Variant type: Deletion.
Coding change: c.136del on transcript NM_000321.3 (MANE Select); coding-DNA position 136, one base deleted (A; older notation c.136delA).
Protein change: p.Arg46fs; shifts the reading frame from arginine 46.
Molecular consequence: frameshift variant.
Genome position (GRCh38, 1-based): chr13:48,304,048, A deleted. VCF-style (leftmost placement, unchanged base first): chr13-48304047-CA-C. GRCh37 (hg19) VCF-style: chr13-48878183-CA-C.
Other names: c.136del, p.Arg46fs (NM_001407165.1, NM_001407166.1, NM_001407167.1); short protein forms R46fs.
Identifiers: ClinVar variation 2702775 (VCV002702775.3), dbSNP rs2542094556, ClinGen allele CA2697551901.